The following is an entry in ClinVar:

NM_001378183.1(PIEZO2):c.1046_1052del (p.Ala349fs)

Gene: PIEZO2 (piezo type mechanosensitive ion channel component 2; minus strand). Cytogenetic location: 18p11.22.
Variant type: Deletion.
Coding change: c.1046_1052del on transcript NM_001378183.1 (MANE Select); coding-DNA positions 1046 to 1052, 7 bases deleted (CCACTCT; older notation c.1046_1052delCCACTCT).
Protein change: p.Ala349fs; shifts the reading frame from alanine 349.
Molecular consequence: frameshift variant.
Genome position (GRCh38, 1-based): chr18:10,807,140-10,807,146, AGAGTGG deleted on the plus strand (CCACTCT on the coding strand, the reverse complement: PIEZO2 is on the minus strand). VCF-style (leftmost placement, unchanged base first): chr18-10807139-CAGAGTGG-C. GRCh37 (hg19) VCF-style: chr18-10807137-CAGAGTGG-C.
Other names: c.1046_1052del, p.Ala349fs (NM_001410871.1, NM_022068.4); short protein forms A349fs.
Identifiers: ClinVar variation 4850727 (VCV004850727.1).

ClinVar aggregate classification (germline): Likely pathogenic (1 of 4 stars; one submission).

Conditions:
Arthrogryposis, distal, with impaired proprioception and touch (DAIPT). Identifiers: MedGen C4310692, MONDO:0014941, OMIM 617146.

Submission:

Variantyx, Inc.
Classification: Likely pathogenic for Arthrogryposis, distal, with impaired proprioception and touch. Last evaluated: 2025-12-16. Review status: criteria provided, single submitter. Criteria: Variantyx Assertion Criteria 2022. Collection method: clinical testing. Allele origin: germline. Inheritance: Autosomal recessive inheritance. Affected: no.
Comment: This is a frameshift variant in the TANC2 gene (OMIM: 615047). Pathogenic variants in this gene have been associated with autosomal dominant intellectual developmental disorder with autistic features and language delay, with or without seizures. This variant introduces a premature termination codon in exon 25 out of 25, removing the predicted PDZ interacting motif (PMID: 20509869) and it is expected to result in loss of function, which is a known disease mechanism for TANC2 in this disorder (PMID: 31616000, 33875846) (PVS1). This variant is absent from control populations (PM2), and it has not been previously reported in individuals with TANC2-related disorders in the databases available for review. Based on the current evidence, this variant is classified as likely pathogenic for autosomal dominant intellectual developmental disorder with autistic features and language delay, with or without seizures.

Literature cited by the submitters: PubMed 27653382; PubMed 27843126.